The following is an entry in ClinVar:

ClinVar aggregate classification (germline): Uncertain significance (1 of 4 stars; one submission).

Conditions:
Inborn genetic diseases. Identifiers: MedGen C0950123, MeSH D030342.

gnomAD v4.1: 33 of 1,614,124 alleles (0.002%); highest among the groups gnomAD compares: Non-Finnish European, 0.0028%; no homozygotes.

Submission:

Ambry Genetics
Classification: Uncertain significance for Inborn genetic diseases. Last evaluated: 2025-12-07. Review status: criteria provided, single submitter. Criteria: Ambry Variant Classification Scheme 2023. Collection method: clinical testing. Allele origin: germline.
Comment: The p.V600M variant (also known as c.1798G>A), located in coding exon 16 of the KDM1A gene, results from a G to A substitution at nucleotide position 1798. The valine at codon 600 is replaced by methionine, an amino acid with highly similar properties. This amino acid position is conserved. In addition, this alteration is predicted to be tolerated by in silico analysis. Based on the available evidence, the clinical significance of this variant remains unclear.

NM_001009999.3(KDM1A):c.1798G>A (p.Val600Met)

Gene: KDM1A (lysine demethylase 1A; plus strand). Cytogenetic location: 1p36.12.
Variant type: single nucleotide variant.
Coding change: c.1798G>A on transcript NM_001009999.3 (MANE Select); coding-DNA position 1798, G replaced by A.
Protein change: p.Val600Met; replaces valine 600 with methionine.
Molecular consequence: missense variant.
Genome position (GRCh38, 1-based): chr1:23,077,291, G>A. VCF-style: chr1-23077291-G-A. GRCh37 (hg19) VCF-style: chr1-23403784-G-A.
Other names: c.1744G>A, p.Val582Met (NM_001363654.2); c.1804G>A, p.Val602Met (NM_001410762.1); c.1726G>A, p.Val576Met (NM_001410763.1, NM_015013.4); short protein forms V576M, V600M, V582M, V602M.
Identifiers: ClinVar variation 4622741 (VCV004622741.1).